The following is an entry in ClinVar:

ClinVar aggregate classification (germline): Uncertain significance. Review status: criteria provided, multiple submitters, no conflicts (2 of 4 stars). 2 submissions from 2 submitters: Uncertain significance (2). Last evaluated 2025-02-20.

Conditions:
Developmental and epileptic encephalopathy, 9 (DEE9). Also called: EPILEPSY, FEMALE-RESTRICTED, WITH MENTAL RETARDATION; Early infantile epileptic encephalopathy 9; JUBERG-HELLMAN SYNDROME; PCDH19-Related X-Linked Female-Limited Epilepsy with Mental Retardation. Identifiers: Orphanet 101039, Orphanet 2076, MedGen C1848137, MONDO:0010246, OMIM 300088. Disease mechanism: loss of function.
PCDH19-related disorder. Also called: PCDH19-related condition.

Allele frequency attached by ClinVar (database versions not stated): gnomAD exomes below 0.00001; TOPMed below 0.00001.
gnomAD v4.1: 1 of 1,211,911 alleles (0.000083%); highest among the groups gnomAD compares: Non-Finnish European, 0.00011%; no homozygotes.

Submissions (2):

Labcorp Genetics (formerly Invitae), Labcorp
Classification: Uncertain significance for Developmental and epileptic encephalopathy, 9. Last evaluated: 2025-02-20. Review status: criteria provided, single submitter. Criteria: Invitae Variant Classification Sherloc (09022015). Collection method: clinical testing. Allele origin: germline.
Comment: This sequence change replaces isoleucine, which is neutral and non-polar, with valine, which is neutral and non-polar, at codon 577 of the PCDH19 protein (p.Ile577Val). This variant is present in population databases (no rsID available, gnomAD 0.001%). This variant has not been reported in the literature in individuals affected with PCDH19-related conditions. ClinVar contains an entry for this variant (Variation ID: 2632762). Invitae Evidence Modeling of protein sequence and biophysical properties (such as structural, functional, and spatial information, amino acid conservation, physicochemical variation, residue mobility, and thermodynamic stability) indicates that this missense variant is not expected to disrupt PCDH19 protein function with a negative predictive value of 95%. In summary, the available evidence is currently insufficient to determine the role of this variant in disease. Therefore, it has been classified as a Variant of Uncertain Significance.

PreventionGenetics, part of Exact Sciences
Classification: Uncertain significance for PCDH19-related condition. Last evaluated: 2023-05-22. Review status: criteria provided, single submitter. Criteria: ACMG Guidelines, 2015. Collection method: clinical testing. Allele origin: germline.
Comment: The PCDH19 c.1729A>G variant is predicted to result in the amino acid substitution p.Ile577Val. To our knowledge, this variant has not been reported in the literature. This variant is reported in 0.0012% of alleles in individuals of European (Non-Finnish) descent in gnomAD. At this time, the clinical significance of this variant is uncertain due to the absence of conclusive functional and genetic evidence.

NM_001184880.2(PCDH19):c.1729A>G (p.Ile577Val)

Gene: PCDH19 (protocadherin 19; minus strand). Cytogenetic location: Xq22.1.
Variant type: single nucleotide variant.
Coding change: c.1729A>G on transcript NM_001184880.2 (MANE Select); coding-DNA position 1729, A replaced by G.
Protein change: p.Ile577Val; replaces isoleucine 577 with valine.
Molecular consequence: missense variant.
Genome position (GRCh38, 1-based): chrX:100,406,869, T>C on the plus strand (A>G on the coding strand, the complement: PCDH19 is on the minus strand). VCF-style: chrX-100406869-T-C. GRCh37 (hg19) VCF-style: chrX-99661867-T-C.
Other names: c.1729A>G, p.Ile577Val (NM_001105243.2, NM_020766.3); short protein forms I577V.
Identifiers: ClinVar variation 2632762 (VCV002632762.2), dbSNP rs1345855480, ClinGen allele CA414002100.